The following is an entry in ClinVar:

NM_133497.4(KCNV2):c.590G>T (p.Arg197Leu)

Gene: KCNV2 (potassium voltage-gated channel modifier subfamily V member 2; plus strand). Cytogenetic location: 9p24.2.
Variant type: single nucleotide variant.
Coding change: c.590G>T on transcript NM_133497.4 (MANE Select); coding-DNA position 590, G replaced by T.
Protein change: p.Arg197Leu; replaces arginine 197 with leucine.
Molecular consequence: missense variant.
Genome position (GRCh38, 1-based): chr9:2,718,329, G>T. VCF-style: chr9-2718329-G-T. GRCh37 (hg19) VCF-style: chr9-2718329-G-T.
Other names: short protein forms R197L.
Identifiers: ClinVar variation 2069432 (VCV002069432.4), dbSNP rs754162112, ClinGen allele CA372798504.

ClinVar aggregate classification (germline): Uncertain significance (1 of 4 stars; one submission).

Submission:

Labcorp Genetics (formerly Invitae), Labcorp
Classification: Uncertain significance. Last evaluated: 2022-09-12. Review status: criteria provided, single submitter. Criteria: Invitae Variant Classification Sherloc (09022015). Collection method: clinical testing. Allele origin: germline.
Comment: This variant has not been reported in the literature in individuals affected with KCNV2-related conditions. This variant is not present in population databases (gnomAD no frequency). This sequence change replaces arginine, which is basic and polar, with leucine, which is neutral and non-polar, at codon 197 of the KCNV2 protein (p.Arg197Leu). Advanced modeling of protein sequence and biophysical properties (such as structural, functional, and spatial information, amino acid conservation, physicochemical variation, residue mobility, and thermodynamic stability) performed at Invitae indicates that this missense variant is not expected to disrupt KCNV2 protein function. In summary, the available evidence is currently insufficient to determine the role of this variant in disease. Therefore, it has been classified as a Variant of Uncertain Significance.